The following is an entry in ClinVar:

NM_001165963.4(SCN1A):c.3726_3727insAT (p.Asp1243fs)

Genes: SCN1A (sodium voltage-gated channel alpha subunit 1; minus strand), LOC102724058 (uncharacterized LOC102724058; plus strand). Cytogenetic location: 2q24.3.
Variant type: Insertion.
Coding change: c.3726_3727insAT on transcript NM_001165963.4 (MANE Select); coding-DNA positions 3726 to 3727, AT inserted.
Protein change: p.Asp1243fs; shifts the reading frame from aspartic acid 1243.
Molecular consequence: frameshift variant. On other transcripts: non-coding transcript variant (1).
Genome position: GRCh38 VCF-style: chr2-166012261-C-CAT. GRCh37 (hg19) VCF-style: chr2-166868771-C-CAT.
Other names: c.3642_3643insAT, p.Asp1215fs (NM_001165964.3, NM_001353957.2, NM_001353958.2); c.3726_3727insAT, p.Asp1243fs (NM_001202435.3, NM_001353948.2); c.3693_3694insAT, p.Asp1232fs (NM_001353949.2, NM_001353950.2, NM_001353951.2 and 2 more transcripts); c.3690_3691insAT, p.Asp1231fs (NM_001353954.2, NM_001353955.2); c.3639_3640insAT, p.Asp1214fs (NM_001353960.2); c.1284_1285insAT, p.Asp429fs (NM_001353961.2); short protein forms D1231fs, D429fs, D1214fs, D1215fs, D1232fs, D1243fs.
Identifiers: ClinVar variation 189855 (VCV000189855.1), dbSNP rs794726706, ClinGen allele CA303117.

ClinVar aggregate classification (germline): Pathogenic (1 of 4 stars; one submission).

Conditions:
Severe myoclonic epilepsy in infancy (DRVT). Also called: Epileptic encephalopathy, early infantile, 6 (Dravet syndrome); SEVERE MYOCLONIC EPILEPSY OF INFANCY; DEVELOPMENTAL AND EPILEPTIC ENCEPHALOPATHY 6A; Severe Myoclonic Epilepsy in Infancy (SMEI); Dravet syndrome. Identifiers: Orphanet 33069, MedGen C0751122, MONDO:0100135, OMIM 607208.

Submission:

Center for Bioinformatics, Peking University
Classification: Pathogenic for Dravet syndrome. Last evaluated: 2014-12-20. Review status: criteria provided, single submitter. Criteria: Xu et al. (Hum Mutat. 2015). Collection method: research. Allele origin: de novo. Affected: yes. Observed: 2 variant alleles. Study: University Clinical Cooperation “985 Project” PKU-2014-1-1.
Comment: Dravet syndrome (DS) probands were recruited from the outpatient and inpatient child neurology units of Peking University First Hospital from 2005 till present. The study was approved by the Ethics Committee of Peking University First Hospital and the Institutional Review Board at Peking University. Participants or their parents provided written informed consent before enrollment. We collected a total of 267 mutations from 255 families with probands diagnosed with DS in China. All probands fulfilled the clinical diagnostic criteria.